The following is an entry in ClinVar:

NM_001277115.2(DNAH11):c.7854_7857dup (p.Tyr2620fs)

Gene: DNAH11 (dynein axonemal heavy chain 11; plus strand). Cytogenetic location: 7p15.3.
Variant type: Duplication.
Coding change: c.7854_7857dup on transcript NM_001277115.2 (MANE Select); coding-DNA positions 7854 to 7857, 4 bases duplicated (CCAG; older notation c.7854_7857dupCCAG).
Protein change: p.Tyr2620fs; shifts the reading frame from tyrosine 2620.
Molecular consequence: frameshift variant.
Genome position (GRCh38, 1-based): chr7:21,739,613-21,739,616, CCAG duplicated; duplicating any 4 consecutive bases within chr7:21,739,612-21,739,616 gives the same sequence; the c. name uses the placement nearest the transcript's 3' end. VCF-style (leftmost placement, unchanged base first): chr7-21739611-T-TGCCA. GRCh37 (hg19) VCF-style: chr7-21779229-T-TGCCA.
Other names: c.7875_7878dup, p.Tyr2627Profs (NM_003777.3); short protein forms Y2620fs.
Identifiers: ClinVar variation 2880926 (VCV002880926.4), dbSNP rs2535099288, ClinGen allele CA2739266332.

ClinVar aggregate classification (germline): Pathogenic. Review status: criteria provided, multiple submitters, no conflicts (2 of 4 stars). 2 submissions from 2 submitters: Pathogenic (2). Last evaluated 2023-08-31.

Conditions:
Primary ciliary dyskinesia. Also called: Ciliary dyskinesia. Identifiers: Orphanet 244, MedGen C0008780, MONDO:0016575, HP:0012265.
Primary ciliary dyskinesia 7. Also called: CILIARY DYSKINESIA, PRIMARY, 7, WITH OR WITHOUT SITUS INVERSUS. Identifiers: Orphanet 244, MedGen C2678473, MONDO:0012748, OMIM 611884.

Submissions (2):

Labcorp Genetics (formerly Invitae), Labcorp
Classification: Pathogenic for Primary ciliary dyskinesia. Last evaluated: 2023-08-31. Review status: criteria provided, single submitter. Criteria: Invitae Variant Classification Sherloc (09022015). Collection method: clinical testing. Allele origin: germline.
Comment: For these reasons, this variant has been classified as Pathogenic. This variant has not been reported in the literature in individuals affected with DNAH11-related conditions. This variant is not present in population databases (gnomAD no frequency). This sequence change creates a premature translational stop signal (p.Tyr2620Profs*45) in the DNAH11 gene. It is expected to result in an absent or disrupted protein product. Loss-of-function variants in DNAH11 are known to be pathogenic (PMID: 18022865, 20513915, 22184204).

Juno Genomics, Hangzhou Juno Genomics, Inc
Classification: Pathogenic for Primary ciliary dyskinesia 7. Review status: criteria provided, single submitter. Criteria: ACMG Guidelines, 2015. Collection method: clinical testing. Allele origin: germline. Affected: yes.
Comment: Absent from controls (or at extremely low frequency if recessive) in Genome Aggregation Database, Exome Sequencing Project, 1000 Genomes Project, or Exome Aggregation Consortium.;Null variant in a gene where loss of function (LOF) is a known mechanism of disease.;Patient's phenotype or family history is highly specific for a disease with a single genetic etiology.

Literature cited by the submitters: PubMed 18022865 (cited by Labcorp Genetics (formerly Invitae), Labcorp); PubMed 20513915 (cited by Labcorp Genetics (formerly Invitae), Labcorp); PubMed 22184204 (cited by Labcorp Genetics (formerly Invitae), Labcorp).